The following is an entry in ClinVar:

NM_004364.5(CEBPA):c.338C>A (p.Ala113Glu)

Gene: CEBPA (CCAAT enhancer binding protein alpha; minus strand). Cytogenetic location: 19q13.11.
Variant type: single nucleotide variant.
Coding change: c.338C>A on transcript NM_004364.5 (MANE Select); coding-DNA position 338, C replaced by A.
Protein change: p.Ala113Glu; replaces alanine 113 with glutamic acid.
Molecular consequence: missense variant. On other transcripts: 5 prime UTR variant (1).
Genome position (GRCh38, 1-based): chr19:33,302,077, G>T on the plus strand (C>A on the coding strand, the complement: CEBPA is on the minus strand). VCF-style: chr19-33302077-G-T. GRCh37 (hg19) VCF-style: chr19-33792983-G-T.
Other names: c.-20C>A (NM_001285829.2); c.443C>A, p.Ala148Glu (NM_001287424.2); c.296C>A, p.Ala99Glu (NM_001287435.2); short protein forms A113E, A148E, A99E.
Identifiers: ClinVar variation 4868673 (VCV004868673.1).

ClinVar aggregate classification (germline): Uncertain significance (1 of 4 stars; one submission).

Conditions:
Inborn genetic diseases. Identifiers: MedGen C0950123, MeSH D030342.

Submission:

Ambry Genetics
Classification: Uncertain significance for Inborn genetic diseases. Last evaluated: 2026-04-15. Review status: criteria provided, single submitter. Criteria: Ambry Variant Classification Scheme 2023. Collection method: clinical testing. Allele origin: germline.
Comment: The p.A113E variant (also known as c.338C>A), located in coding exon 1 of the CEBPA gene, results from a C to A substitution at nucleotide position 338. The alanine at codon 113 is replaced by glutamic acid, an amino acid with dissimilar properties. This amino acid position is conserved. In addition, this alteration is predicted to be tolerated by in silico analysis. Based on the available evidence, the clinical significance of this variant remains unclear.